The following is an entry in ClinVar:

NM_000395.3(CSF2RB):c.2204G>A (p.Gly735Asp)

Gene: CSF2RB (colony stimulating factor 2 receptor subunit beta; plus strand). Cytogenetic location: 22q12.3.
Variant type: single nucleotide variant.
Coding change: c.2204G>A on transcript NM_000395.3 (MANE Select); coding-DNA position 2204, G replaced by A.
Protein change: p.Gly735Asp; replaces glycine 735 with aspartic acid.
Molecular consequence: missense variant.
Genome position (GRCh38, 1-based): chr22:36,938,012, G>A. VCF-style: chr22-36938012-G-A. GRCh37 (hg19) VCF-style: chr22-37334054-G-A.
Other names: c.2222G>A, p.Gly741Asp (NM_001410827.1); short protein forms G735D, G741D.
Identifiers: ClinVar variation 4812224 (VCV004812224.1).
Genomic context (GRCh38, chr22:36,938,012, plus strand): 5'-CAGACCTGGTATTCACCCCAAACTCAGGGGCCTCGTCTGTCTCCCTAGTTCCCTCTCTGG[G>A]CCTCCCCTCAGACCAGACCCCCAGCTTATGTCCTGGGCTGGCCAGTGGACCCCCTGGAGC-3'
Protein context (NP_000386.1, residues 725-745): ASSVSLVPSL[Gly735Asp]LPSDQTPSLC

ClinVar aggregate classification (germline): Uncertain significance (1 of 4 stars; one submission).

Submission:

Labcorp Genetics (formerly Invitae), Labcorp
Classification: Uncertain significance. Last evaluated: 2025-04-23. Review status: criteria provided, single submitter. Criteria: Invitae Variant Classification Sherloc (09022015). Collection method: clinical testing. Allele origin: germline.
Comment: This sequence change replaces glycine, which is neutral and non-polar, with aspartic acid, which is acidic and polar, at codon 735 of the CSF2RB protein (p.Gly735Asp). This variant is not present in population databases (gnomAD no frequency). This variant has not been reported in the literature in individuals affected with CSF2RB-related conditions. Invitae Evidence Modeling of protein sequence and biophysical properties (such as structural, functional, and spatial information, amino acid conservation, physicochemical variation, residue mobility, and thermodynamic stability) indicates that this missense variant is not expected to disrupt CSF2RB protein function with a negative predictive value of 80%. In summary, the available evidence is currently insufficient to determine the role of this variant in disease. Therefore, it has been classified as a Variant of Uncertain Significance.